The following is an entry in ClinVar:

NM_004646.4(NPHS1):c.2336G>T (p.Gly779Val)

Gene: NPHS1 (NPHS1 adhesion molecule, nephrin; minus strand). Cytogenetic location: 19q13.12.
Variant type: single nucleotide variant.
Coding change: c.2336G>T on transcript NM_004646.4 (MANE Select); coding-DNA position 2336, G replaced by T.
Protein change: p.Gly779Val; replaces glycine 779 with valine.
Molecular consequence: missense variant.
Genome position (GRCh38, 1-based): chr19:35,842,549, C>A on the plus strand (G>T on the coding strand, the complement: NPHS1 is on the minus strand). VCF-style: chr19-35842549-C-A. GRCh37 (hg19) VCF-style: chr19-36333451-C-A.
Other names: c.2336G>T (NM_004646.3); short protein forms G779V.
Identifiers: ClinVar variation 1468279 (VCV001468279.9), dbSNP rs2146819926, ClinGen allele CA405394096.

ClinVar aggregate classification (germline): Uncertain significance. Review status: criteria provided, single submitter (1 of 4 stars). 2 submissions from 2 submitters: Uncertain significance (1). 1 of the submissions does not count toward it. Last evaluated 2024-02-24.

Conditions:
Finnish congenital nephrotic syndrome (NPHS1). Also called: NEPHROTIC SYNDROME, TYPE 1. Identifiers: Orphanet 839, MedGen C0403399, MONDO:0009732, OMIM 256300.

Submissions (2):

Labcorp Genetics (formerly Invitae), Labcorp
Classification: Uncertain significance. Last evaluated: 2024-02-24. Review status: criteria provided, single submitter. Criteria: Invitae Variant Classification Sherloc (09022015). Collection method: clinical testing. Allele origin: germline.
Comment: This sequence change replaces glycine, which is neutral and non-polar, with valine, which is neutral and non-polar, at codon 779 of the NPHS1 protein (p.Gly779Val). This variant is not present in population databases (gnomAD no frequency). This missense change has been observed in individual(s) with clinical features of nephrotic syndrome (Invitae). ClinVar contains an entry for this variant (Variation ID: 1468279). An algorithm developed to predict the effect of missense changes on protein structure and function (PolyPhen-2) suggests that this variant is likely to be disruptive. In summary, the available evidence is currently insufficient to determine the role of this variant in disease. Therefore, it has been classified as a Variant of Uncertain Significance.

Natera, Inc.
Classification: Uncertain significance for Finnish congenital nephrotic syndrome. Last evaluated: 2025-04-25. Review status: no assertion criteria provided. Collection method: clinical testing. Allele origin: germline. Not counted in ClinVar's aggregate classification.